The following is an entry in ClinVar:

ClinVar aggregate classification (germline): Uncertain significance (1 of 4 stars; one submission).

Conditions:
Tumor predisposition syndrome 3 (TPDS3). Also called: Melanoma, cutaneous malignant, susceptibility to, 10; Glioma susceptibility 9; LONG TELOMERE SYNDROME, POT1-RELATED; POT1 Tumor Predisposition. Identifiers: Orphanet 618, MedGen C4014476, MONDO:0014368, OMIM 615848.

Submission:

Labcorp Genetics (formerly Invitae), Labcorp
Classification: Uncertain significance for Tumor predisposition syndrome 3. Last evaluated: 2024-04-27. Review status: criteria provided, single submitter. Criteria: Invitae Variant Classification Sherloc (09022015). Collection method: clinical testing. Allele origin: germline.
Comment: This sequence change affects codon 456 of the POT1 mRNA. It is a 'silent' change, meaning that it does not change the encoded amino acid sequence of the POT1 protein. It affects a nucleotide within the consensus splice site. This variant is not present in population databases (gnomAD no frequency). This variant has not been reported in the literature in individuals affected with POT1-related conditions. Algorithms developed to predict the effect of sequence changes on RNA splicing suggest that this variant may disrupt the consensus splice site. In summary, the available evidence is currently insufficient to determine the role of this variant in disease. Therefore, it has been classified as a Variant of Uncertain Significance.

NM_015450.3(POT1):c.1368A>G (p.Glu456=)

Gene: POT1 (protection of telomeres 1; minus strand). Cytogenetic location: 7q31.33.
Variant type: single nucleotide variant.
Coding change: c.1368A>G on transcript NM_015450.3 (MANE Select); coding-DNA position 1368, A replaced by G.
Protein change: p.Glu456=; no amino-acid change (glutamic acid 456 retained).
Molecular consequence: synonymous variant. On other transcripts: non-coding transcript variant (3).
Genome position (GRCh38, 1-based): chr7:124,840,974, T>C on the plus strand (A>G on the coding strand, the complement: POT1 is on the minus strand). VCF-style: chr7-124840974-T-C. GRCh37 (hg19) VCF-style: chr7-124481028-T-C.
Other names: c.975A>G, p.Glu325= (NM_001042594.2).
Identifiers: ClinVar variation 3651311 (VCV003651311.2).